The following is an entry in ClinVar:

ClinVar aggregate classification (germline): Pathogenic. Review status: reviewed by expert panel (3 of 4 stars). 4 submissions from 4 submitters: Pathogenic (1). 3 of the submissions do not count toward it. Last evaluated 2013-09-05.

Conditions:
Hereditary nonpolyposis colorectal neoplasms. Identifiers: MedGen C0009405, MeSH D003123.
Lynch syndrome. Identifiers: Orphanet 144, MedGen C4552100, MONDO:0005835. Disease mechanism: loss of function.
Lynch syndrome 5 (LYNCH5). Also called: Colorectal cancer, hereditary nonpolyposis, type 5; Hereditary non-polyposis colorectal cancer, type 5. Identifiers: Orphanet 144, MedGen C1833477, MONDO:0013710, OMIM 614350. Disease mechanism: loss of function.
Hereditary cancer-predisposing syndrome. Also called: Tumor predisposition; Hereditary Cancer Syndrome; Hereditary neoplastic syndrome; Neoplastic Syndromes, Hereditary. Identifiers: Orphanet 140162, MedGen C0027672, MeSH D009386, MONDO:0015356.

Submissions (4):

International Society for Gastrointestinal Hereditary Tumours (InSiGHT)
Classification: Pathogenic for Lynch Syndrome. Last evaluated: 2013-09-05. Review status: reviewed by expert panel. Criteria: Guidelines v1.9. Collection method: research. Allele origin: germline.
Comment: Coding sequence variation resulting in a stop codon

Classified with v1.9 guidelines

Ambry Genetics
Classification: Pathogenic for Hereditary cancer-predisposing syndrome. Last evaluated: 2024-05-23. Review status: criteria provided, single submitter. Criteria: Ambry Variant Classification Scheme 2023. Collection method: clinical testing. Allele origin: germline. Not counted in ClinVar's aggregate classification.
Comment: The c.2768dupA pathogenic mutation, located in coding exon 4 of the MSH6 gene, results from a duplication of A at nucleotide position 2768, causing a translational frameshift with a predicted alternate stop codon (p.T924Dfs*11). This variant is considered to be rare based on population cohorts in the Genome Aggregation Database (gnomAD). This alteration is expected to result in loss of function by premature protein truncation or nonsense-mediated mRNA decay. As such, this alteration is interpreted as a disease-causing mutation.

Myriad Genetics, Inc.
Classification: Pathogenic for Lynch syndrome 5. Last evaluated: 2023-08-18. Review status: criteria provided, single submitter. Criteria: Myriad Autosomal Dominant, Autosomal Recessive and X-Linked Classification Criteria (2023). Collection method: clinical testing. Allele origin: unknown. Not counted in ClinVar's aggregate classification.
Comment: This variant is considered pathogenic. This variant creates a frameshift predicted to result in premature protein truncation.

Labcorp Genetics (formerly Invitae), Labcorp
Classification: Pathogenic for Hereditary nonpolyposis colorectal neoplasms. Last evaluated: 2021-09-16. Review status: criteria provided, single submitter. Criteria: Invitae Variant Classification Sherloc (09022015). Collection method: clinical testing. Allele origin: germline. Not counted in ClinVar's aggregate classification.
Comment: This sequence change creates a premature translational stop signal (p.Thr924Aspfs*11) in the MSH6 gene. It is expected to result in an absent or disrupted protein product. Loss-of-function variants in MSH6 are known to be pathogenic (PMID: 18269114, 24362816). This variant is not present in population databases (ExAC no frequency). This premature translational stop signal has been observed in individual(s) with clinical features of Lynch syndrome (PMID: 18301448). ClinVar contains an entry for this variant (Variation ID: 89316). For these reasons, this variant has been classified as Pathogenic.

Literature cited by the submitters: PubMed 18301448 (cited by Ambry Genetics and Labcorp Genetics (formerly Invitae), Labcorp); PubMed 18269114 (cited by Labcorp Genetics (formerly Invitae), Labcorp); PubMed 24362816 (cited by Labcorp Genetics (formerly Invitae), Labcorp).

NM_000179.3(MSH6):c.2768dup (p.Thr924fs)

Gene: MSH6 (mutS homolog 6; plus strand). Cytogenetic location: 2p16.3.
Variant type: Duplication.
Coding change: c.2768dup on transcript NM_000179.3 (MANE Select); coding-DNA position 2768, one base duplicated (A; older notation c.2768dupA).
Protein change: p.Thr924fs; shifts the reading frame from threonine 924.
Molecular consequence: frameshift variant.
Genome position (GRCh38, 1-based): chr2:47,800,751, A duplicated; the last of 3 consecutive A bases (chr2:47,800,749-47,800,751); duplicating any one gives the same sequence. VCF-style (leftmost placement, unchanged base first): chr2-47800748-G-GA. GRCh37 (hg19) VCF-style: chr2-48027887-G-GA.
Other names: c.2378dup, p.Thr794fs (NM_001281492.2); c.1862dup, p.Thr622fs (NM_001281493.2, NM_001281494.2); short protein forms T622fs, T794fs, T924fs.
Identifiers: ClinVar variation 89316 (VCV000089316.12), dbSNP rs267608063, ClinGen allele CA010851.
Genomic context (GRCh38, chr2:47,800,748, plus strand): 5'-TTCCTGATTTGACTGTAGAATTGAACCGATGGGATACAGCCTTTGACCATGAAAAGGCTC[G>GA]AAAGACTGGACTTATTACTCCCAAAGCAGGCTTTGACTCTGATTATGACCAAGCTCTTGC-3'